The following is an entry in ClinVar:

NM_000540.3(RYR1):c.8468T>C (p.Ile2823Thr)

Genes: RYR1 (ryanodine receptor 1; plus strand), LOC126862902 (BRD4-independent group 4 enhancer GRCh37_chr19:38995830-38997029; plus strand). Cytogenetic location: 19q13.2.
Variant type: single nucleotide variant.
Coding change: c.8468T>C on transcript NM_000540.3 (MANE Select); coding-DNA position 8468, T replaced by C.
Protein change: p.Ile2823Thr; replaces isoleucine 2823 with threonine.
Molecular consequence: missense variant.
Genome position (GRCh38, 1-based): chr19:38,505,873, T>C. VCF-style: chr19-38505873-T-C. GRCh37 (hg19) VCF-style: chr19-38996513-T-C.
Other names: c.8468T>C, p.Ile2823Thr (NM_001042723.2); short protein forms I2823T.
Identifiers: ClinVar variation 3073244 (VCV003073244.6), dbSNP rs1466240377, ClinGen allele CA405678721.
Genomic context (GRCh38, chr19:38,505,873, plus strand): 5'-AGATTTACCGCTGGCCCATCAAGGAGTCCCTGAAGGCCATGATTGCCTGGGAATGGACGA[T>C]AGAGAAGGCCAGGGAGGGTGAGGAGGAGAAGACGGAAAAGAAAAAAACGCGGAAGATATC-3'
Protein context (NP_000531.2, residues 2813-2833): LKAMIAWEWT[Ile2823Thr]EKAREGEEEK

ClinVar aggregate classification (germline): Uncertain significance. Review status: criteria provided, multiple submitters, no conflicts (2 of 4 stars). 4 submissions from 4 submitters: Uncertain significance (4). Last evaluated 2024-08-08.

Conditions:
Malignant hyperthermia, susceptibility to, 1 (MHS1). Also called: Anesthesia related hyperthermia; Malignant hyperpyrexia; Fulminating hyperpyrexia; Pharmacogenic myopathy; RYR1-Related Malignant Hyperthermia Susceptibility; Malignant hyperthermia suceptibility 1. Identifiers: Orphanet 423, MedGen C2930980, MONDO:0007783, OMIM 145600.
RYR1-related disorder. Also called: RYR1-related condition; RYR1-related disorders. Identifiers: MedGen CN239331.

Allele frequency attached by ClinVar (database versions not stated): gnomAD 0.00001; gnomAD exomes 0.00001; TOPMed 0.00001.
gnomAD v4.1: 17 of 1,613,626 alleles (0.0011%); highest among the groups gnomAD compares: Admixed American, 0.0017%; no homozygotes.

Submissions (4):

All of Us Research Program, National Institutes of Health
Classification: Uncertain significance for Malignant hyperthermia, susceptibility to, 1. Last evaluated: 2024-08-08. Review status: criteria provided, single submitter. Criteria: ACMG Guidelines, 2015. Collection method: clinical testing. Allele origin: germline. Inheritance: Autosomal dominant inheritance. Observed: 4 variant alleles, 4 heterozygotes.
Comment: This missense variant replaces isoleucine with threonine at codon 2823 of the RYR1 protein. Computational prediction suggests that this variant may not impact protein structure and function (internally defined REVEL score threshold <= 0.5, PMID: 27666373). To our knowledge, functional studies have not been reported for this variant. This variant has not been reported in individuals affected with RYR1-related disorders in the literature. This variant has been identified in 2/282742 chromosomes in the general population by the Genome Aggregation Database (gnomAD). The available evidence is insufficient to determine the role of this variant in disease conclusively. Therefore, this variant is classified as a Variant of Uncertain Significance.

This study involves interpretation of variants in research participants for the purpose of population health screening. Participant phenotype was not available at the time of variant classification. Additional details can be found in publication PMID: 35346344, PMCID: PMC8962531

Labcorp Genetics (formerly Invitae), Labcorp
Classification: Uncertain significance for RYR1-related disorder. Last evaluated: 2024-07-30. Review status: criteria provided, single submitter. Criteria: Invitae Variant Classification Sherloc (09022015). Collection method: clinical testing. Allele origin: germline.
Comment: This sequence change replaces isoleucine, which is neutral and non-polar, with threonine, which is neutral and polar, at codon 2823 of the RYR1 protein (p.Ile2823Thr). This variant is present in population databases (no rsID available, gnomAD 0.003%). This variant has not been reported in the literature in individuals affected with RYR1-related conditions. Advanced modeling of protein sequence and biophysical properties (such as structural, functional, and spatial information, amino acid conservation, physicochemical variation, residue mobility, and thermodynamic stability) performed at Invitae indicates that this missense variant is not expected to disrupt RYR1 protein function with a negative predictive value of 95%. In summary, the available evidence is currently insufficient to determine the role of this variant in disease. Therefore, it has been classified as a Variant of Uncertain Significance.

GeneDx
Classification: Uncertain significance. Last evaluated: 2024-07-25. Review status: criteria provided, single submitter. Criteria: GeneDx Variant Classification Process June 2021. Collection method: clinical testing. Allele origin: germline. Affected: yes.
Comment: Not observed at significant frequency in large population cohorts (gnomAD); In silico analysis supports that this missense variant has a deleterious effect on protein structure/function; Has not been previously published as pathogenic or benign to our knowledge; This variant is associated with the following publications: (PMID: 12668474)

Color Diagnostics, LLC DBA Color Health
Classification: Uncertain significance for Malignant hyperthermia, susceptibility to, 1. Last evaluated: 2024-05-14. Review status: criteria provided, single submitter. Criteria: ACMG Guidelines, 2015. Collection method: clinical testing. Allele origin: germline.
Comment: This missense variant replaces isoleucine with threonine at codon 2823 of the RYR1 protein. Computational prediction suggests that this variant may not impact protein structure and function (internally defined REVEL score threshold <= 0.5, PMID: 27666373). To our knowledge, functional studies have not been reported for this variant. This variant has not been reported in individuals affected with RYR1-related disorders in the literature. This variant has been identified in 2/282742 chromosomes in the general population by the Genome Aggregation Database (gnomAD). The available evidence is insufficient to determine the role of this variant in disease conclusively. Therefore, this variant is classified as a Variant of Uncertain Significance.